The following is an entry in ClinVar:

ClinVar aggregate classification (germline): Uncertain significance. Review status: criteria provided, multiple submitters, no conflicts (2 of 4 stars). 3 submissions from 3 submitters: Uncertain significance (3). Last evaluated 2024-04-15.

Conditions:
Hereditary cancer-predisposing syndrome. Also called: Hereditary neoplastic syndrome; Neoplastic Syndromes, Hereditary; Hereditary Cancer Syndrome; Tumor predisposition. Identifiers: Orphanet 140162, MedGen C0027672, MeSH D009386, MONDO:0015356.

Allele frequency attached by ClinVar (database versions not stated): gnomAD 0.00001; gnomAD exomes 0.00001; TOPMed 0.00001; ExAC 0.00002.
gnomAD v4.1: 6 of 1,603,254 alleles (0.00037%); highest among the groups gnomAD compares: Non-Finnish European, 0.00051%; no homozygotes.

Submissions (3):

Labcorp Genetics (formerly Invitae), Labcorp
Classification: Uncertain significance for Hereditary cancer-predisposing syndrome. Last evaluated: 2024-04-15. Review status: criteria provided, single submitter. Criteria: Invitae Variant Classification Sherloc (09022015). Collection method: clinical testing. Allele origin: germline.
Comment: This sequence change replaces isoleucine, which is neutral and non-polar, with asparagine, which is neutral and polar, at codon 46 of the RAD50 protein (p.Ile46Asn). This variant is present in population databases (rs587780149, gnomAD 0.002%). This variant has not been reported in the literature in individuals affected with RAD50-related conditions. ClinVar contains an entry for this variant (Variation ID: 127996). Advanced modeling of protein sequence and biophysical properties (such as structural, functional, and spatial information, amino acid conservation, physicochemical variation, residue mobility, and thermodynamic stability) performed at Invitae indicates that this missense variant is expected to disrupt RAD50 protein function with a positive predictive value of 80%. In summary, the available evidence is currently insufficient to determine the role of this variant in disease. Therefore, it has been classified as a Variant of Uncertain Significance.

Ambry Genetics
Classification: Uncertain significance for Hereditary cancer-predisposing syndrome. Last evaluated: 2015-12-17. Review status: criteria provided, single submitter. Criteria: Ambry Variant Classification Scheme 2023. Collection method: clinical testing. Allele origin: germline.
Comment: The p.I46N variant (also known as c.137T>A), located in coding exon 2 of the RAD50 gene, results from a T to A substitution at nucleotide position 137. The isoleucine at codon 46 is replaced by asparagine, an amino acid with dissimilar properties. This variant was not reported in population based cohorts in the following databases: Database of Single Nucleotide Polymorphisms (dbSNP), NHLBI Exome Sequencing Project (ESP), and 1000 Genomes Project. In the ESP, this variant was not observed in 6484 samples (12968 alleles) with coverage at this position. To date, this alteration has been detected with an allele frequency of approximately 0.001% (greater than 120000 alleles tested) in our clinical cohort. This amino acid position is highly conserved in available vertebrate species. In addition, the in silico prediction for this alteration is inconclusive. Since supporting evidence is limited at this time, the clinical significance of p.I46N remains unclear.

GeneDx
Classification: Uncertain significance. Last evaluated: 2013-12-02. Review status: criteria provided, single submitter. Criteria: GeneDx Variant Classification (06012015). Collection method: clinical testing. Allele origin: germline. Affected: yes.
Comment: RAD50, which is involved in DNA damage repair as part of the Fanconi Anemia pathway, has been only recently described in association with cancer predisposition and the risks are not well understood. This variant is denoted RAD50 c.137T>A at the cDNA level, p.Ile46Asn (I46N) at the protein level, and results in the change of an Isoleucine to an Asparagine (ATT>AAT). This variant has not, to our knowledge, been published in the literature as pathogenic or benign. RAD50 Ile46Asn was not observed in approximately 6,500 individuals of European and African American ancestry in the NHLBI Exome Sequencing Project, indicating it is not a common benign variant in these populations. This variant is a non-conservative substitution of a neutral non-polar amino acid for a neutral polar one, altering a position that is well conserved throughout evolution and is not located in a known functional domain. Multiple in silico algorithms predict that this variant may be damaging to protein structure and function. On a molecular level, the impact of this missense variant on protein structure and function is not known and thus we consider this to be a variant of uncertain significance. Furthermore, based on the currently available information, cancer risks associated with this variant, and the RAD50 gene, remain unclear.

NM_005732.4(RAD50):c.137T>A (p.Ile46Asn)

Gene: RAD50 (RAD50 double strand break repair protein; plus strand). Cytogenetic location: 5q31.1.
Variant type: single nucleotide variant.
Coding change: c.137T>A on transcript NM_005732.4 (MANE Select); coding-DNA position 137, T replaced by A.
Protein change: p.Ile46Asn; replaces isoleucine 46 with asparagine.
Molecular consequence: missense variant.
Genome position (GRCh38, 1-based): chr5:132,559,291, T>A. VCF-style: chr5-132559291-T-A. GRCh37 (hg19) VCF-style: chr5-131894983-T-A.
Other names: p.I46N:ATT>AAT; short protein forms I46N.
Identifiers: ClinVar variation 127996 (VCV000127996.11), dbSNP rs587780149, ClinGen allele CA288193.